The following is an entry in ClinVar:

ClinVar aggregate classification (germline): Uncertain significance (1 of 4 stars; one submission).

Conditions:
Frontotemporal dementia and/or amyotrophic lateral sclerosis 7 (FTDALS7). Also called: CHMP2B-related frontotemporal dementia; Amyotrophic lateral sclerosis 17; AMYOTROPHIC LATERAL SCLEROSIS, CHMP2B-RELATED; CHMP2B-Related Frontotemporal Dementia-Amyotrophic Lateral Sclerosis. Identifiers: Orphanet 275864, Orphanet 282, Orphanet 803, MedGen C1833296, MONDO:0010936, OMIM 600795.

gnomAD v4.1: 11 of 1,611,422 alleles (0.00068%); highest among the groups gnomAD compares: East Asian, 0.022%; no homozygotes.

Submission:

Labcorp Genetics (formerly Invitae), Labcorp
Classification: Uncertain significance for Frontotemporal dementia and/or amyotrophic lateral sclerosis 7. Last evaluated: 2025-01-10. Review status: criteria provided, single submitter. Criteria: Invitae Variant Classification Sherloc (09022015). Collection method: clinical testing. Allele origin: germline.
Comment: This sequence change replaces alanine, which is neutral and non-polar, with threonine, which is neutral and polar, at codon 179 of the CHMP2B protein (p.Ala179Thr). This variant is not present in population databases (gnomAD no frequency). This variant has not been reported in the literature in individuals affected with CHMP2B-related conditions. An algorithm developed to predict the effect of missense changes on protein structure and function (PolyPhen-2) suggests that this variant is likely to be tolerated. In summary, the available evidence is currently insufficient to determine the role of this variant in disease. Therefore, it has been classified as a Variant of Uncertain Significance.

NM_014043.4(CHMP2B):c.535G>A (p.Ala179Thr)

Gene: CHMP2B (charged multivesicular body protein 2B; plus strand). Cytogenetic location: 3p11.2.
Variant type: single nucleotide variant.
Coding change: c.535G>A on transcript NM_014043.4 (MANE Select); coding-DNA position 535, G replaced by A.
Protein change: p.Ala179Thr; replaces alanine 179 with threonine.
Molecular consequence: missense variant.
Genome position (GRCh38, 1-based): chr3:87,253,715, G>A. VCF-style: chr3-87253715-G-A. GRCh37 (hg19) VCF-style: chr3-87302865-G-A.
Other names: c.412G>A, p.Ala138Thr (NM_001244644.2); c.631G>A, p.Ala211Thr (NM_001410777.1); short protein forms A138T, A179T, A211T.
Identifiers: ClinVar variation 3749828 (VCV003749828.2).
Genomic context (GRCh38, chr3:87,253,715, plus strand): 5'-ATGTCCTAGTCCAAATGTTTCCTAATGCACGTTTGTCTTTTTCATTGTTTAATATAGATG[G>A]CCAAAGCTCCATCAGCTGCTCGAAGCTTACCATCTGCCTCTACTTCAAAGGCTACAATCT-3'
Protein context (NP_054762.2, residues 169-189): EIGIEISGKM[Ala179Thr]KAPSAARSLP